The following is an entry in ClinVar:

NM_018133.4(MSL2):c.238_245dup (p.Trp83fs)

Gene: MSL2 (MSL complex subunit 2; minus strand). Cytogenetic location: 3q22.3.
Variant type: Duplication.
Coding change: c.238_245dup on transcript NM_018133.4 (MANE Select); coding-DNA positions 238 to 245, 8 bases duplicated (TCCTGTAG; older notation c.238_245dupTCCTGTAG).
Protein change: p.Trp83fs; shifts the reading frame from tryptophan 83.
Molecular consequence: frameshift variant.
Genome position (GRCh38, 1-based): chr3:136,152,636-136,152,643, CTACAGGA duplicated on the plus strand (TCCTGTAG on the coding strand, the reverse complement: MSL2 is on the minus strand). VCF-style (leftmost placement, unchanged base first): chr3-136152635-G-GCTACAGGA. GRCh37 (hg19) VCF-style: chr3-135871477-G-GCTACAGGA.
Other names: c.16_23dup, p.Trp9fs (NM_001145417.2); short protein forms W83fs, W9fs.
Identifiers: ClinVar variation 5042054 (VCV005042054.1).

ClinVar aggregate classification (germline): Likely pathogenic (1 of 4 stars; one submission).

Conditions:
Karayol-Borroto-Haghshenas neurodevelopmental syndrome. Identifiers: MedGen C5975476, MONDO:0975836, OMIM 620985.

Submission:

Clinical Genetics Laboratory, University Hospital Schleswig-Holstein
Classification: Likely pathogenic for Karayol-Borroto-Haghshenas neurodevelopmental syndrome. Last evaluated: 2025-04-08. Review status: criteria provided, single submitter. Criteria: ACMG Guidelines, 2015. Collection method: clinical testing. Allele origin: maternal. Affected: yes. Observed: 1 heterozygote.
Comment: ACMG criteria applied: PM2, PVS1_Strong